The following is an entry in ClinVar:

NM_005506.4(SCARB2):c.787G>C (p.Asp263His)

Gene: SCARB2 (scavenger receptor class B member 2; minus strand). Cytogenetic location: 4q21.1.
Variant type: single nucleotide variant.
Coding change: c.787G>C on transcript NM_005506.4 (MANE Select); coding-DNA position 787, G replaced by C.
Protein change: p.Asp263His; replaces aspartic acid 263 with histidine.
Molecular consequence: missense variant.
Genome position (GRCh38, 1-based): chr4:76,175,828, C>G on the plus strand (G>C on the coding strand, the complement: SCARB2 is on the minus strand). VCF-style: chr4-76175828-C-G. GRCh37 (hg19) VCF-style: chr4-77096981-C-G.
Other names: c.358G>C, p.Asp120His (NM_001204255.2); c.787G>C (NM_005506.3); short protein forms D120H, D263H.
Identifiers: ClinVar variation 1060758 (VCV001060758.8), dbSNP rs759410840, ClinGen allele CA2970267.
Genomic context (GRCh38, chr4:76,175,828, plus strand): 5'-GAACTTATCTTTAAAGCTTTTACCTGCAAAAGTCAGATGGGAAGACATAAAGGACCTCAT[C>G]TTTGGTTATTAGTGGGTGAAAAGAATCTCCATCTGTTCCATTAATCATATTGCACTTGTC-3'
Protein context (NP_005497.1, residues 253-273): GDSFHPLITK[Asp263His]EVLYVFPSDF

ClinVar aggregate classification (germline): Uncertain significance. Review status: criteria provided, multiple submitters, no conflicts (2 of 4 stars). 2 submissions from 2 submitters: Uncertain significance (2). Last evaluated 2026-05-21.

Conditions:
Inborn genetic diseases. Identifiers: MedGen C0950123, MeSH D030342.
Progressive myoclonic epilepsy. Also called: Familial progressive myoclonic epilepsy; Myoclonus epilepsy; Progressive myoclonus epilepsy; Myoclonic Epilepsies, Progressive. Identifiers: Orphanet 308, Orphanet 98261, MedGen C0751778, MONDO:0020074.

Allele frequency attached by ClinVar (database versions not stated): ExAC 0.00001; TOPMed 0.00002; gnomAD 0.00001; gnomAD exomes 0.00002.
gnomAD v4.1: 8 of 1,613,898 alleles (0.0005%); highest among the groups gnomAD compares: Admixed American, 0.013%; no homozygotes.

Submissions (2):

Ambry Genetics
Classification: Uncertain significance for Inborn genetic diseases. Last evaluated: 2026-05-21. Review status: criteria provided, single submitter. Criteria: Ambry Variant Classification Scheme 2023. Collection method: clinical testing. Allele origin: germline.
Comment: The c.787G>C (p.D263H) alteration is located in exon 6 (coding exon 6) of the SCARB2 gene. This alteration results from a G to C substitution at nucleotide position 787, causing the aspartic acid (D) at amino acid position 263 to be replaced by a histidine (H). Based on data from gnomAD, the C allele has an overall frequency of 0.002% (6/251276) total alleles studied. The highest observed frequency was 0.017% (6/34570) of Latino alleles. This amino acid position is well conserved in available vertebrate species. The in silico prediction for this alteration is inconclusive. Based on insufficient or conflicting evidence, the clinical significance of this alteration remains unclear.

Labcorp Genetics (formerly Invitae), Labcorp
Classification: Uncertain significance for Progressive myoclonic epilepsy. Last evaluated: 2021-08-24. Review status: criteria provided, single submitter. Criteria: Invitae Variant Classification Sherloc (09022015). Collection method: clinical testing. Allele origin: germline.
Comment: This sequence change replaces aspartic acid with histidine at codon 263 of the SCARB2 protein (p.Asp263His). The aspartic acid residue is moderately conserved and there is a moderate physicochemical difference between aspartic acid and histidine. This variant is present in population databases (rs759410840, ExAC 0.009%). This variant has not been reported in the literature in individuals affected with SCARB2-related conditions. Algorithms developed to predict the effect of missense changes on protein structure and function are either unavailable or do not agree on the potential impact of this missense change (SIFT: "Tolerated"; PolyPhen-2: "Probably Damaging"; Align-GVGD: "Class C0"). In summary, the available evidence is currently insufficient to determine the role of this variant in disease. Therefore, it has been classified as a Variant of Uncertain Significance.